The following is an entry in ClinVar:

NM_016507.4(CDK12):c.104G>T (p.Arg35Leu)

Genes: CDK12 (cyclin dependent kinase 12; plus strand), LOC126862553 (CDK7 strongly-dependent group 2 enhancer GRCh37_chr17:37618166-37619365; plus strand). Cytogenetic location: 17q12.
Variant type: single nucleotide variant.
Coding change: c.104G>T on transcript NM_016507.4 (MANE Select); coding-DNA position 104, G replaced by T.
Protein change: p.Arg35Leu; replaces arginine 35 with leucine.
Molecular consequence: missense variant.
Genome position (GRCh38, 1-based): chr17:39,462,175, G>T. VCF-style: chr17-39462175-G-T. GRCh37 (hg19) VCF-style: chr17-37618428-G-T.
Other names: c.104G>T, p.Arg35Leu (NM_015083.4); short protein forms R35L.
Identifiers: ClinVar variation 3830587 (VCV003830587.1).

ClinVar aggregate classification (germline): Uncertain significance (1 of 4 stars; one submission).

Submission:

Ambry Genetics
Classification: Uncertain significance. Last evaluated: 2025-02-01. Review status: criteria provided, single submitter. Criteria: Ambry Variant Classification Scheme 2023. Collection method: clinical testing. Allele origin: germline.
Comment: The p.R35L variant (also known as c.104G>T), located in coding exon 1 of the CDK12 gene, results from a G to T substitution at nucleotide position 104. The arginine at codon 35 is replaced by leucine, an amino acid with dissimilar properties. This amino acid position is conserved. In addition, this alteration is predicted to be tolerated by in silico analysis. Based on the available evidence, the clinical significance of this variant remains unclear.